The following is an entry in ClinVar:

ClinVar aggregate classification (germline): Uncertain significance (1 of 4 stars; one submission).

Conditions:
Hereditary cancer-predisposing syndrome. Also called: Neoplastic Syndromes, Hereditary; Tumor predisposition; Hereditary Cancer Syndrome; Hereditary neoplastic syndrome. Identifiers: Orphanet 140162, MedGen C0027672, MeSH D009386, MONDO:0015356.

Submission:

Ambry Genetics
Classification: Uncertain significance for Hereditary cancer-predisposing syndrome. Last evaluated: 2018-08-24. Review status: criteria provided, single submitter. Criteria: Ambry Variant Classification Scheme 2023. Collection method: clinical testing. Allele origin: germline.
Comment: The p.T633P variant (also known as c.1897A>C), located in coding exon 4 of the MSH6 gene, results from an A to C substitution at nucleotide position 1897. The threonine at codon 633 is replaced by proline, an amino acid with highly similar properties. This amino acid position is highly conserved in available vertebrate species. In addition, this alteration is predicted to be deleterious by in silico analysis. In addition, the CoDP in silico tool predicts this alteration as likely to impact molecular function, with a score of 0.790 (Terui H et al. J. Biomed. Sci. 2013 Apr;20:25). Since supporting evidence is limited at this time, the clinical significance of this alteration remains unclear.

NM_000179.3(MSH6):c.1897A>C (p.Thr633Pro)

Gene: MSH6 (mutS homolog 6; plus strand). Cytogenetic location: 2p16.3.
Variant type: single nucleotide variant.
Coding change: c.1897A>C on transcript NM_000179.3 (MANE Select); coding-DNA position 1897, A replaced by C.
Protein change: p.Thr633Pro; replaces threonine 633 with proline.
Molecular consequence: missense variant.
Genome position (GRCh38, 1-based): chr2:47,799,880, A>C. VCF-style: chr2-47799880-A-C. GRCh37 (hg19) VCF-style: chr2-48027019-A-C.
Other names: c.1507A>C, p.Thr503Pro (NM_001281492.2); c.991A>C, p.Thr331Pro (NM_001281493.2, NM_001281494.2, NM_001406811.1 and 6 more transcripts); c.1993A>C, p.Thr665Pro (NM_001406795.1, NM_001406802.1); c.1897A>C, p.Thr633Pro (NM_001406796.1, NM_001406798.1, NM_001406800.1 and 3 more transcripts); c.1600A>C, p.Thr534Pro (NM_001406797.1, NM_001406801.1, NM_001406805.1 and 10 more transcripts); c.1372A>C, p.Thr458Pro (NM_001406799.1, NM_001406806.1, NM_001406807.1); c.1819A>C, p.Thr607Pro (NM_001406804.1); c.1903A>C, p.Thr635Pro (NM_001406813.1); and 1 more; short protein forms T331P, T458P, T503P, T633P, T665P, T534P, T577P, T607P.
Identifiers: ClinVar variation 1782176 (VCV001782176.2), dbSNP rs2104374565, ClinGen allele CA346750079.